The following is an entry in ClinVar:

ClinVar aggregate classification (germline): Uncertain significance (1 of 4 stars; one submission).

Conditions:
Lethal multiple pterygium syndrome (LMPS). Identifiers: Orphanet 33108, MedGen C1854678, MONDO:0009668, OMIM 253290.

Allele frequency attached by ClinVar (database versions not stated): gnomAD exomes below 0.00001; TOPMed below 0.00001.
gnomAD v4.1: 2 of 1,613,848 alleles (0.00012%); highest among the groups gnomAD compares: South Asian, 0.0022%; no homozygotes.

Submission:

Labcorp Genetics (formerly Invitae), Labcorp
Classification: Uncertain significance for Lethal multiple pterygium syndrome. Last evaluated: 2022-04-18. Review status: criteria provided, single submitter. Criteria: Invitae Variant Classification Sherloc (09022015). Collection method: clinical testing. Allele origin: germline.
Comment: In summary, the available evidence is currently insufficient to determine the role of this variant in disease. Therefore, it has been classified as a Variant of Uncertain Significance. Variants that disrupt the consensus splice site are a relatively common cause of aberrant splicing (PMID: 17576681, 9536098). Algorithms developed to predict the effect of sequence changes on RNA splicing suggest that this variant may disrupt the consensus splice site. This variant has not been reported in the literature in individuals affected with CHRND-related conditions. This variant is present in population databases (no rsID available, gnomAD 0.007%). This sequence change falls in intron 7 of the CHRND gene. It does not directly change the encoded amino acid sequence of the CHRND protein. It affects a nucleotide within the consensus splice site.

Literature cited by the submitters: PubMed 17576681; PubMed 9536098.

NM_000751.3(CHRND):c.820+5G>A

Gene: CHRND (cholinergic receptor nicotinic delta subunit; plus strand). Cytogenetic location: 2q37.1.
Variant type: single nucleotide variant.
Coding change: c.820+5G>A on transcript NM_000751.3 (MANE Select); 5 bases into the intron after coding-DNA position 820, G replaced by A.
Molecular consequence: intron variant.
Genome position (GRCh38, 1-based): chr2:232,530,144, G>A. VCF-style: chr2-232530144-G-A. GRCh37 (hg19) VCF-style: chr2-233394854-G-A.
Other names: c.239-1208G>A (NM_001311195.2); c.517+5G>A (NM_001311196.2); c.775+5G>A (NM_001256657.2).
Identifiers: ClinVar variation 2151080 (VCV002151080.4), dbSNP rs1384049851, ClinGen allele CA540309995.